The following is an entry in ClinVar:

ClinVar aggregate classification (germline): Likely benign (1 of 4 stars; one submission).

gnomAD v4.1: 418 of 1,549,606 alleles (0.027%); highest among the groups gnomAD compares: African/African-American, 0.42%; 1 homozygote.

Submission:

CeGaT Center for Human Genetics Tuebingen
Classification: Likely benign. Last evaluated: 2026-05-01. Review status: criteria provided, single submitter. Criteria: CeGaT Center For Human Genetics Tuebingen Variant Classification Criteria Version 2. Collection method: clinical testing. Allele origin: germline. Affected: yes. Observed: 1 variant allele.
Comment: DENND5B: BP4, BS1

NM_144973.4(DENND5B):c.237+8T>G

Gene: DENND5B (DENN domain containing 5B; minus strand). Cytogenetic location: 12p11.21.
Variant type: single nucleotide variant.
Coding change: c.237+8T>G on transcript NM_144973.4 (MANE Select); 8 bases into the intron after coding-DNA position 237, T replaced by G.
Molecular consequence: intron variant.
Genome position (GRCh38, 1-based): chr12:31,495,802, A>C on the plus strand (T>G on the coding strand, the complement: DENND5B is on the minus strand). VCF-style: chr12-31495802-A-C. GRCh37 (hg19) VCF-style: chr12-31648736-A-C.
Other names: c.342+8T>G (NM_001308339.2); c.303+8T>G (NM_001366890.1, NM_001366893.1); c.237+8T>G (NM_001366891.1, NM_001366892.1).
Identifiers: ClinVar variation 4872243 (VCV004872243.2).